The following is an entry in ClinVar:

ClinVar aggregate classification (germline): Pathogenic. Review status: criteria provided, single submitter (1 of 4 stars). 2 submissions from 2 submitters: Pathogenic (1). 1 of the submissions does not count toward it. Last evaluated 2021-08-29.

Conditions:
Neurofibromatosis, type 1 (NF1). Also called: Neurofibromatosis, type I; NEUROFIBROMATOSIS, TYPE I, SOMATIC; Peripheral type neurofibromatosis; VON RECKLINGHAUSEN DISEASE. Identifiers: Orphanet 636, MedGen C0027831, MONDO:0018975, OMIM 162200. Disease mechanism: loss of function.

Submissions (2):

Labcorp Genetics (formerly Invitae), Labcorp
Classification: Pathogenic for Neurofibromatosis, type 1. Last evaluated: 2021-08-29. Review status: criteria provided, single submitter. Criteria: Invitae Variant Classification Sherloc (09022015). Collection method: clinical testing. Allele origin: germline.
Comment: This sequence change creates a premature translational stop signal (p.Ser465Valfs*8) in the NF1 gene. It is expected to result in an absent or disrupted protein product. Loss-of-function variants in NF1 are known to be pathogenic (PMID: 10712197, 23913538). This variant is not present in population databases (ExAC no frequency). This premature translational stop signal has been observed in individual(s) with neurofibromatosis type 1 (PMID: 28961165). This variant is also known as c.1392+1del. ClinVar contains an entry for this variant (Variation ID: 404560). Algorithms developed to predict the effect of sequence changes on RNA splicing suggest that this variant may disrupt the consensus splice site. For these reasons, this variant has been classified as Pathogenic.

Medical Genetics, University of Parma
Classification: Pathogenic for Neurofibromatosis type 1. Last evaluated: 2017-02-02. Review status: no assertion criteria provided. Collection method: clinical testing. Allele origin: germline. Affected: yes. Not counted in ClinVar's aggregate classification.

Literature cited by the submitters: PubMed 10712197 (cited by Labcorp Genetics (formerly Invitae), Labcorp); PubMed 23913538 (cited by Labcorp Genetics (formerly Invitae), Labcorp); PubMed 28961165 (cited by Labcorp Genetics (formerly Invitae), Labcorp).

NM_001042492.3(NF1):c.1392+1del

Gene: NF1 (neurofibromin 1; plus strand). Cytogenetic location: 17q11.2.
Variant type: Deletion.
Coding change: c.1392+1del on transcript NM_001042492.3 (MANE Select); the canonical splice donor site of the intron after coding-DNA position 1392, one base deleted (G; older notation c.1392+1delG).
Molecular consequence: splice donor variant.
Genome position (GRCh38, 1-based): chr17:31,206,372, G deleted; the last of 2 consecutive G bases (chr17:31,206,371-31,206,372); deleting either gives the same sequence. VCF-style (leftmost placement, unchanged base first): chr17-31206370-CG-C. GRCh37 (hg19) VCF-style: chr17-29533388-CG-C.
Other names: c.1392del (NM_001042492.2); c.1392+1del (NM_000267.4, NM_001128147.3); c.1392+1delG (NM_000267.3).
Identifiers: ClinVar variation 404560 (VCV000404560.5), dbSNP rs1060500347, ClinGen allele CA16615571.